The following is an entry in ClinVar:

ClinVar aggregate classification (germline): Uncertain significance. Review status: criteria provided, multiple submitters, no conflicts (2 of 4 stars). 2 submissions from 2 submitters: Uncertain significance (2). Last evaluated 2025-08-14.

Conditions:
Inborn genetic diseases. Identifiers: MedGen C0950123, MeSH D030342.

Allele frequency attached by ClinVar (database versions not stated): gnomAD 0.00002; ExAC 0.00001; gnomAD exomes 0.00001; TOPMed 0.00001.
gnomAD v4.1: 16 of 1,613,364 alleles (0.00099%); highest among the groups gnomAD compares: Non-Finnish European, 0.0012%; no homozygotes.

Submissions (2):

Ambry Genetics
Classification: Uncertain significance for Inborn genetic diseases. Last evaluated: 2025-08-14. Review status: criteria provided, single submitter. Criteria: Ambry Variant Classification Scheme 2023. Collection method: clinical testing. Allele origin: germline.

Labcorp Genetics (formerly Invitae), Labcorp
Classification: Uncertain significance. Last evaluated: 2022-10-14. Review status: criteria provided, single submitter. Criteria: Invitae Variant Classification Sherloc (09022015). Collection method: clinical testing. Allele origin: germline.
Comment: This sequence change replaces glutamic acid, which is acidic and polar, with lysine, which is basic and polar, at codon 708 of the INSR protein (p.Glu708Lys). This variant is present in population databases (rs763692568, gnomAD 0.002%). This variant has not been reported in the literature in individuals affected with INSR-related conditions. Advanced modeling of protein sequence and biophysical properties (such as structural, functional, and spatial information, amino acid conservation, physicochemical variation, residue mobility, and thermodynamic stability) performed at Invitae indicates that this missense variant is not expected to disrupt INSR protein function. In summary, the available evidence is currently insufficient to determine the role of this variant in disease. Therefore, it has been classified as a Variant of Uncertain Significance.

NM_000208.4(INSR):c.2122G>A (p.Glu708Lys)

Gene: INSR (insulin receptor; minus strand). Cytogenetic location: 19p13.2.
Variant type: single nucleotide variant.
Coding change: c.2122G>A on transcript NM_000208.4 (MANE Select); coding-DNA position 2122, G replaced by A.
Protein change: p.Glu708Lys; replaces glutamic acid 708 with lysine.
Molecular consequence: missense variant.
Genome position (GRCh38, 1-based): chr19:7,152,835, C>T on the plus strand (G>A on the coding strand, the complement: INSR is on the minus strand). VCF-style: chr19-7152835-C-T. GRCh37 (hg19) VCF-style: chr19-7152846-C-T.
Other names: c.2122G>A (NM_000208.2); c.2122G>A, p.Glu708Lys (NM_001079817.3); short protein forms E708K.
Identifiers: ClinVar variation 1917092 (VCV001917092.6), dbSNP rs763692568, ClinGen allele CA9135655.
Genomic context (GRCh38, chr19:7,152,835, plus strand): 5'-ACGAGGACTCCTCCAGCTCCTTCAGGATCTGAGAGTCTGTCTTTGGACAGGAGCAGCATT[C>T]GCCGGCCGAATCCTCATACTCACTCTGGTTGTGCTTCTGAGAATCTTCAGACTCGAATGG-3'
Protein context (NP_000199.2, residues 698-718): NQSEYEDSAG[Glu708Lys]CCSCPKTDSQ